The following is an entry in ClinVar:

ClinVar aggregate classification (germline): Uncertain significance. Review status: criteria provided, multiple submitters, no conflicts (2 of 4 stars). 3 submissions from 3 submitters: Uncertain significance (3). Last evaluated 2025-12-03.

Conditions:
Inborn genetic diseases. Identifiers: MedGen C0950123, MeSH D030342.
Short-rib thoracic dysplasia 6 with or without polydactyly (SRTD6). Also called: Majewski Syndrome; POLYDACTYLY WITH NEONATAL CHONDRODYSTROPHY, TYPE II; SHORT-RIB THORACIC DYSPLASIA 6 WITH POLYDACTYLY; SHORT-RIB THORACIC DYSPLASIA 6 WITHOUT POLYDACTYLY; SHORT RIB-POLYDACTYLY SYNDROME, TYPE IIA. Identifiers: MedGen C0024507, MONDO:0009894, OMIM 263520.

Allele frequency attached by ClinVar (database versions not stated): gnomAD exomes 0.00002 and 0.00003; TOPMed 0.00003; ExAC 0.00004; gnomAD 0.00005.
gnomAD v4.1: 40 of 1,573,350 alleles (0.0025%); highest among the groups gnomAD compares: African/African-American, 0.0095%; no homozygotes.

Submissions (3):

Labcorp Genetics (formerly Invitae), Labcorp
Classification: Uncertain significance for Short-rib thoracic dysplasia 6 with or without polydactyly. Last evaluated: 2025-12-03. Review status: criteria provided, single submitter. Criteria: Invitae Variant Classification Sherloc (09022015). Collection method: clinical testing. Allele origin: germline.
Comment: This sequence change replaces arginine, which is basic and polar, with histidine, which is basic and polar, at codon 714 of the NEK1 protein (p.Arg714His). This variant is present in population databases (rs778982890, gnomAD 0.01%). This variant has not been reported in the literature in individuals affected with NEK1-related conditions. ClinVar contains an entry for this variant (Variation ID: 964518). Invitae Evidence Modeling of protein sequence and biophysical properties (such as structural, functional, and spatial information, amino acid conservation, physicochemical variation, residue mobility, and thermodynamic stability) has been performed for this missense variant. However, the output from this modeling did not meet the statistical confidence thresholds required to predict the impact of this variant on NEK1 protein function. In summary, the available evidence is currently insufficient to determine the role of this variant in disease. Therefore, it has been classified as a Variant of Uncertain Significance.

Ambry Genetics
Classification: Uncertain significance for Inborn genetic diseases. Last evaluated: 2023-11-21. Review status: criteria provided, single submitter. Criteria: Ambry Variant Classification Scheme 2023. Collection method: clinical testing. Allele origin: germline.

Blueprint Genetics
Classification: Uncertain significance. Last evaluated: 2021-09-27. Review status: criteria provided, single submitter. Criteria: ACMG Guidelines, 2015. Collection method: clinical testing. Allele origin: germline.

NM_001199397.3(NEK1):c.2225G>A (p.Arg742His)

Gene: NEK1 (NIMA related kinase 1; minus strand). Cytogenetic location: 4q33.
Variant type: single nucleotide variant.
Coding change: c.2225G>A on transcript NM_001199397.3 (MANE Select); coding-DNA position 2225, G replaced by A.
Protein change: p.Arg742His; replaces arginine 742 with histidine.
Molecular consequence: missense variant. On other transcripts: non-coding transcript variant (1).
Genome position (GRCh38, 1-based): chr4:169,477,333, C>T on the plus strand (G>A on the coding strand, the complement: NEK1 is on the minus strand). VCF-style: chr4-169477333-C-T. GRCh37 (hg19) VCF-style: chr4-170398484-C-T.
Other names: c.2093G>A, p.Arg698His (NM_001199398.3); c.1934G>A, p.Arg645His (NM_001199399.3); c.2009G>A, p.Arg670His (NM_001199400.3); c.2225G>A, p.Arg742His (NM_001374418.1); c.2141G>A, p.Arg714His (NM_001374419.1, NM_012224.4); c.2090G>A, p.Arg697His (NM_001374420.1); c.1919G>A, p.Arg640His (NM_001374421.1); short protein forms R645H, R640H, R697H, R742H, R670H, R698H, R714H.
Identifiers: ClinVar variation 964518 (VCV000964518.11), dbSNP rs778982890, ClinGen allele CA3137456.
Genomic context (GRCh38, chr4:169,477,333, plus strand): 5'-TCAGAGAGATTCTGCTTTCCTTTTTCATCTTCTTGAGCTTTAAGATTTTCATTTAATCTA[C>T]GAAGTATTTCTCGCTTACTCTGAAAGTCACGACATTATATATTTTAATATGTATATCATT-3'
Protein context (NP_001186326.1, residues 732-752): NAISSKREIL[Arg742His]RLNENLKAQE